The following is an entry in ClinVar:

NM_080680.3(COL11A2):c.1132C>A (p.Pro378Thr)

Gene: COL11A2 (collagen type XI alpha 2 chain; minus strand). Cytogenetic location: 6p21.32.
Variant type: single nucleotide variant.
Coding change: c.1132C>A on transcript NM_080680.3 (MANE Select); coding-DNA position 1132, C replaced by A.
Protein change: p.Pro378Thr; replaces proline 378 with threonine.
Molecular consequence: missense variant.
Genome position (GRCh38, 1-based): chr6:33,181,158, G>T on the plus strand (C>A on the coding strand, the complement: COL11A2 is on the minus strand). VCF-style: chr6-33181158-G-T. GRCh37 (hg19) VCF-style: chr6-33148935-G-T.
Other names: c.811C>A, p.Pro271Thr (NM_080679.3); c.874C>A, p.Pro292Thr (NM_080681.3); short protein forms P271T, P292T, P378T.
Identifiers: ClinVar variation 1804608 (VCV001804608.2), dbSNP rs748687966, ClinGen allele CA3751457.

ClinVar aggregate classification (germline): Uncertain significance. Review status: criteria provided, multiple submitters, no conflicts (2 of 4 stars). 2 submissions from 2 submitters: Uncertain significance (2). Last evaluated 2023-04-11.

Conditions:
COL11A2-related disorder. Also called: COL11A2-related condition; COL11A2-related disorders.

Allele frequency attached by ClinVar (database versions not stated): ExAC 0.00002.
gnomAD v4.1: 7 of 1,614,114 alleles (0.00043%); highest among the groups gnomAD compares: Middle Eastern, 0.033%; no homozygotes.

Submissions (2):

PreventionGenetics, part of Exact Sciences
Classification: Uncertain significance for COL11A2-related condition. Last evaluated: 2023-04-11. Review status: criteria provided, single submitter. Criteria: ACMG Guidelines, 2015. Collection method: clinical testing. Allele origin: germline.
Comment: The COL11A2 c.1132C>A variant is predicted to result in the amino acid substitution p.Pro378Thr. To our knowledge, this variant has not been reported in the literature. This variant is reported in 0.0065% of alleles in individuals of South Asian descent in gnomAD. At this time, the clinical significance of this variant is uncertain due to the absence of conclusive functional and genetic evidence.

GeneDx
Classification: Uncertain significance. Last evaluated: 2022-06-16. Review status: criteria provided, single submitter. Criteria: GeneDx Variant Classification Process June 2021. Collection method: clinical testing. Allele origin: germline. Affected: yes.
Comment: Has not been previously published as pathogenic or benign to our knowledge; Not observed at significant frequency in large population cohorts (gnomAD); In silico analysis supports that this missense variant has a deleterious effect on protein structure/function